The following is an entry in ClinVar:

NM_017563.5(IL17RD):c.2009C>T (p.Pro670Leu)

Genes: IL17RD (interleukin 17 receptor D; minus strand), LOC126806689 (BRD4-independent group 4 enhancer GRCh37_chr3:57131244-57132443; plus strand). Cytogenetic location: 3p14.3.
Variant type: single nucleotide variant.
Coding change: c.2009C>T on transcript NM_017563.5 (MANE Select); coding-DNA position 2009, C replaced by T.
Protein change: p.Pro670Leu; replaces proline 670 with leucine.
Molecular consequence: missense variant.
Genome position (GRCh38, 1-based): chr3:57,097,694, G>A on the plus strand (C>T on the coding strand, the complement: IL17RD is on the minus strand). VCF-style: chr3-57097694-G-A. GRCh37 (hg19) VCF-style: chr3-57131722-G-A.
Other names: c.2009C>T (NM_017563.3, NM_017563.4); c.1577C>T, p.Pro526Leu (NM_001318864.2); short protein forms P526L, P670L.
Identifiers: ClinVar variation 1442770 (VCV001442770.15), dbSNP rs143119752, ClinGen allele CA2462602.

ClinVar aggregate classification (germline): Conflicting classifications of pathogenicity. Review status: criteria provided, conflicting classifications (1 of 4 stars). 5 submissions from 5 submitters: Uncertain significance (4); Likely benign (1). Last evaluated 2026-01-14.

Conditions:
IL17RD-related disorder. Also called: IL17RD-related condition.

Allele frequency attached by ClinVar (database versions not stated): 1000 Genomes Project 30x 0.00016; 1000 Genomes Project 0.00020; TOPMed 0.00056; gnomAD exomes 0.00058 and 0.00089; gnomAD 0.00062 and 0.00066; ExAC 0.00091; ESP Exome Variant Server 0.00161.
gnomAD v4.1: 1,355 of 1,605,802 alleles (0.084%); highest among the groups gnomAD compares: Non-Finnish European, 0.11%; 2 homozygotes.

Submissions (5):

GeneDx
Classification: Likely benign. Last evaluated: 2026-01-14. Review status: criteria provided, single submitter. Criteria: GeneDx Variant Classification Process June 2021. Collection method: clinical testing. Allele origin: germline.
Comment: See Variant Classification Assertion Criteria.

PreventionGenetics, part of Exact Sciences
Classification: Uncertain significance for IL17RD-related condition. Last evaluated: 2025-08-11. Review status: criteria provided, single submitter. Criteria: ACMG Guidelines, 2015. Collection method: clinical testing. Allele origin: germline.
Comment: The IL17RD c.2009C>T variant is predicted to result in the amino acid substitution p.Pro670Leu. To our knowledge, this variant has not been reported in the literature. This variant is reported in 0.092% of alleles in individuals of European (Non-Finnish) descent in gnomAD. Although we suspect that this variant may be benign, at this time, the clinical significance of this variant is uncertain due to the absence of conclusive functional and genetic evidence.

Ambry Genetics
Classification: Uncertain significance. Last evaluated: 2025-06-06. Review status: criteria provided, single submitter. Criteria: Ambry Variant Classification Scheme 2023. Collection method: clinical testing. Allele origin: germline.

Labcorp Genetics (formerly Invitae), Labcorp
Classification: Uncertain significance. Last evaluated: 2023-05-06. Review status: criteria provided, single submitter. Criteria: Invitae Variant Classification Sherloc (09022015). Collection method: clinical testing. Allele origin: germline.
Comment: In summary, the available evidence is currently insufficient to determine the role of this variant in disease. Therefore, it has been classified as a Variant of Uncertain Significance. Advanced modeling of protein sequence and biophysical properties (such as structural, functional, and spatial information, amino acid conservation, physicochemical variation, residue mobility, and thermodynamic stability) performed at Invitae indicates that this missense variant is expected to disrupt IL17RD protein function. ClinVar contains an entry for this variant (Variation ID: 1442770). This variant has not been reported in the literature in individuals affected with IL17RD-related conditions. This variant is present in population databases (rs143119752, gnomAD 0.09%), and has an allele count higher than expected for a pathogenic variant. This sequence change replaces proline, which is neutral and non-polar, with leucine, which is neutral and non-polar, at codon 670 of the IL17RD protein (p.Pro670Leu).

Breakthrough Genomics
Classification: Uncertain significance. Review status: criteria provided, single submitter. Criteria: ACMG Guidelines, 2015. Collection method: not provided. Allele origin: germline. Inheritance: Autosomal recessive inheritance. Affected: yes.